The following is an entry in ClinVar:

ClinVar aggregate classification (germline): conflicting data from submitters (0 of 4 stars; one submission).

Submission:

ISCA Site 6
Classification: conflicting data from submitters. Review status: no assertion criteria provided. Collection method: clinical testing. Allele origin: unknown. Affected: yes. Observed: 3 variant alleles. Clinical features observed: Developmental delay AND/OR other significant developmental or morphological phenotypes.
Comment: Uncertain significance(2), Likely benign (1)

Copy number variation identified through the course of routine clinical cytogenomic testing in postnatal populations, with clinical assertions as classified by the original submitter. For data from the original published study, Kaminsky, et al. 2011 (PubMed 21844811), please see nstd101.

GRCh37/hg19 19p13.3(chr19:3801763-3834742)x3

Genes: MATK (megakaryocyte-associated tyrosine kinase; minus strand), ZFR2 (zinc finger RNA binding protein 2; minus strand). Cytogenetic location: 19p13.3.
Variant type: copy number gain.
Change: copy number 3 (three copies instead of two) of chr19:3,801,763-3,834,742 (33.0 kb, GRCh37 coordinates, 1-based), cytogenetic band 19p13.3.
Identifiers: ClinVar variation 394387 (VCV000394387.4).